The following is an entry in ClinVar:

ClinVar aggregate classification (germline): Uncertain significance (1 of 4 stars; one submission).

Submission:

GeneDx
Classification: Uncertain significance. Last evaluated: 2023-07-03. Review status: criteria provided, single submitter. Criteria: GeneDx Variant Classification Process June 2021. Collection method: clinical testing. Allele origin: germline. Affected: yes.
Comment: Not observed at significant frequency in large population cohorts (gnomAD); Has not been previously published as pathogenic or benign to our knowledge; In silico analysis suggests this variant may impact gene splicing. In the absence of RNA/functional studies, the actual effect of this sequence change is unknown

NM_006231.4(POLE):c.480G>A (p.Val160=)

Gene: POLE (DNA polymerase epsilon, catalytic subunit; minus strand). Cytogenetic location: 12q24.33.
Variant type: single nucleotide variant.
Coding change: c.480G>A on transcript NM_006231.4 (MANE Select); coding-DNA position 480, G replaced by A.
Protein change: p.Val160=; no amino-acid change (valine 160 retained).
Molecular consequence: synonymous variant.
Genome position (GRCh38, 1-based): chr12:132,679,595, C>T on the plus strand (G>A on the coding strand, the complement: POLE is on the minus strand). VCF-style: chr12-132679595-C-T. GRCh37 (hg19) VCF-style: chr12-133256181-C-T.
Identifiers: ClinVar variation 3360532 (VCV003360532.1).
Genomic context (GRCh38, chr12:132,679,595, plus strand): 5'-CTGCTCCCTGTTCTTCTTCACGGCAGGGGAGATCTCCTTCCTCACTTTGACAAGATCCTC[C>T]ACAGTGTGGAAGGACAGCCTGATGTAATTTCGCTTCAAACCCACCAAGTGATTTGGCTAT-3'
Protein context (NP_006222.2, residues 150-170): RNYIRLSFHT[Val160=]EDLVKVRKEI